The following is an entry in ClinVar:

ClinVar aggregate classification (germline): Uncertain significance (1 of 4 stars; one submission).

Conditions:
Muscle AMP deaminase deficiency (MMDD). Also called: Myoadenylate deaminase deficiency, myopathy due to; Adenosine monophosphate deaminase 1 deficiency; AMP deaminase 1 deficiency; Adenosine Monophosphate Deaminase 1; ADENOSINE MONOPHOSPHATE DEAMINASE-1 DEFICIENCY, MYOPATHY DUE TO; AMPD1 DEFICIENCY. Identifiers: Orphanet 45, MedGen C3714933, MONDO:0014220, OMIM 615511.

gnomAD v4.1: 1 of 1,614,202 alleles (0.000062%); no homozygotes.

Submission:

Labcorp Genetics (formerly Invitae), Labcorp
Classification: Uncertain significance for Muscle AMP deaminase deficiency. Last evaluated: 2022-03-19. Review status: criteria provided, single submitter. Criteria: Invitae Variant Classification Sherloc (09022015). Collection method: clinical testing. Allele origin: germline.
Comment: This sequence change falls in intron 2 of the AMPD1 gene. It does not directly change the encoded amino acid sequence of the AMPD1 protein. It affects a nucleotide within the consensus splice site. This variant is not present in population databases (gnomAD no frequency). This variant has not been reported in the literature in individuals affected with AMPD1-related conditions. Variants that disrupt the consensus splice site are a relatively common cause of aberrant splicing (PMID: 17576681, 9536098). Algorithms developed to predict the effect of sequence changes on RNA splicing suggest that this variant is not likely to affect RNA splicing. In summary, the available evidence is currently insufficient to determine the role of this variant in disease. Therefore, it has been classified as a Variant of Uncertain Significance.

Literature cited by the submitters: PubMed 17576681; PubMed 9536098.

NM_000036.3(AMPD1):c.35-3T>C

Gene: AMPD1 (adenosine monophosphate deaminase 1; minus strand). Cytogenetic location: 1p13.2.
Variant type: single nucleotide variant.
Coding change: c.35-3T>C on transcript NM_000036.3 (MANE Select); 3 bases into the intron before coding-DNA position 35, T replaced by C.
Molecular consequence: intron variant.
Genome position (GRCh38, 1-based): chr1:114,688,744, A>G on the plus strand (T>C on the coding strand, the complement: AMPD1 is on the minus strand). VCF-style: chr1-114688744-A-G. GRCh37 (hg19) VCF-style: chr1-115231365-A-G.
Other names: c.23-3T>C (NM_001172626.2).
Identifiers: ClinVar variation 2070211 (VCV002070211.4), dbSNP rs1228989515, ClinGen allele CA885818944.